The following is an entry in ClinVar:

ClinVar aggregate classification (germline): Uncertain significance. Review status: criteria provided, multiple submitters, no conflicts (2 of 4 stars). 4 submissions from 4 submitters: Uncertain significance (4). Last evaluated 2024-10-16.

Conditions:
Inborn genetic diseases. Identifiers: MedGen C0950123, MeSH D030342.
Immunodeficiency, common variable, 7. Identifiers: Orphanet 1572, Orphanet 696894, MedGen C3542922, MONDO:0013862, OMIM 614699.

Allele frequency attached by ClinVar (database versions not stated): TOPMed 0.00003; 1000 Genomes Project 30x 0.00016; ExAC 0.00001; gnomAD 0.00001; gnomAD exomes 0.00005 and 0.00003; ESP Exome Variant Server 0.00008; 1000 Genomes Project 0.00020.
gnomAD v4.1: 78 of 1,613,724 alleles (0.0048%); highest among the groups gnomAD compares: Non-Finnish European, 0.0063%; no homozygotes.

Submissions (4):

Labcorp Genetics (formerly Invitae), Labcorp
Classification: Uncertain significance for Immunodeficiency, common variable, 7. Last evaluated: 2024-10-16. Review status: criteria provided, single submitter. Criteria: Invitae Variant Classification Sherloc (09022015). Collection method: clinical testing. Allele origin: germline.
Comment: This sequence change replaces proline, which is neutral and non-polar, with leucine, which is neutral and non-polar, at codon 277 of the CR2 protein (p.Pro277Leu). This variant is present in population databases (rs201791442, gnomAD 0.007%). This variant has not been reported in the literature in individuals affected with CR2-related conditions. ClinVar contains an entry for this variant (Variation ID: 951488). An algorithm developed to predict the effect of missense changes on protein structure and function outputs the following: PolyPhen-2: "Benign". The leucine amino acid residue is found in multiple mammalian species, which suggests that this missense change does not adversely affect protein function. In summary, the available evidence is currently insufficient to determine the role of this variant in disease. Therefore, it has been classified as a Variant of Uncertain Significance.

Ambry Genetics
Classification: Uncertain significance for Inborn genetic diseases. Last evaluated: 2024-09-04. Review status: criteria provided, single submitter. Criteria: Ambry Variant Classification Scheme 2023. Collection method: clinical testing. Allele origin: germline.

Genome-Nilou Lab
Classification: Uncertain significance for Immunodeficiency, common variable, 7. Last evaluated: 2023-04-11. Review status: criteria provided, single submitter. Criteria: ACMG Guidelines, 2015. Collection method: clinical testing. Allele origin: germline. Affected: no.

Baylor Genetics
Classification: Uncertain significance for Immunodeficiency, common variable, 7. Last evaluated: 2019-08-26. Review status: criteria provided, single submitter. Criteria: ACMG Guidelines, 2015. Collection method: clinical testing. Allele origin: unknown. Affected: yes.
Comment: This variant was determined to be of uncertain significance according to ACMG Guidelines, 2015 [PMID:25741868].

NM_001006658.3(CR2):c.830C>T (p.Pro277Leu)

Genes: CR2 (complement C3d receptor 2; plus strand), LOC126805994 (BRD4-independent group 4 enhancer GRCh37_chr1:207642622-207643821; plus strand). Cytogenetic location: 1q32.2.
Variant type: single nucleotide variant.
Coding change: c.830C>T on transcript NM_001006658.3 (MANE Select); coding-DNA position 830, C replaced by T.
Protein change: p.Pro277Leu; replaces proline 277 with leucine.
Molecular consequence: missense variant.
Genome position (GRCh38, 1-based): chr1:207,469,707, C>T. VCF-style: chr1-207469707-C-T. GRCh37 (hg19) VCF-style: chr1-207643052-C-T.
Other names: c.830C>T, p.Pro277Leu (NM_001877.5); short protein forms P277L.
Identifiers: ClinVar variation 951488 (VCV000951488.11), dbSNP rs201791442, ClinGen allele CA1368564.